The following is an entry in ClinVar:

NM_001130987.2(DYSF):c.4888C>T (p.Gln1630Ter)

Gene: DYSF (dysferlin; plus strand). Cytogenetic location: 2p13.2.
Variant type: single nucleotide variant.
Coding change: c.4888C>T on transcript NM_001130987.2 (MANE Select); coding-DNA position 4888, C replaced by T.
Protein change: p.Gln1630Ter; replaces glutamine 1630 with a stop codon.
Molecular consequence: nonsense.
Genome position (GRCh38, 1-based): chr2:71,659,010, C>T. VCF-style: chr2-71659010-C-T. GRCh37 (hg19) VCF-style: chr2-71886140-C-T.
Other names: c.4774C>T, p.Gln1592Ter (NM_001130455.2); c.4729C>T, p.Gln1577Ter (NM_001130976.2); c.4792C>T, p.Gln1598Ter (NM_001130977.2); c.4834C>T, p.Gln1612Ter (NM_001130978.2); c.4864C>T, p.Gln1622Ter (NM_001130979.2); c.4822C>T, p.Gln1608Ter (NM_001130980.2); c.4885C>T, p.Gln1629Ter (NM_001130981.2); c.4867C>T, p.Gln1623Ter (NM_001130982.2); and 5 more; short protein forms Q1577*, Q1578*, Q1591*, Q1592*, Q1598*, Q1599*, Q1608*, Q1609*.
Identifiers: ClinVar variation 984124 (VCV000984124.4), dbSNP rs2094828804, ClinGen allele CA347219870.

ClinVar aggregate classification (germline): Likely pathogenic (1 of 4 stars; one submission).

Conditions:
Autosomal recessive limb-girdle muscular dystrophy. Identifiers: Orphanet 102015, MedGen C2931907, MONDO:0015152.

Submission:

Myriad Genetics, Inc.
Classification: Likely pathogenic for Autosomal recessive limb-girdle muscular dystrophy. Last evaluated: 2019-01-28. Review status: criteria provided, single submitter. Criteria: Myriad Autosomal Dominant, Autosomal Recessive and X-Linked Classification Criteria (2023). Collection method: clinical testing. Allele origin: unknown.
Comment: NM_003494.3(DYSF):c.4771C>T(Q1591*) is expected to be pathogenic in the context of dysferlinopathy. This variant is predicted to lead to an abnormal or absent protein product due to the creation of a premature termination codon in DYSF, a gene where loss-of-function variants are known to be pathogenic. Please note: this variant was assessed in the context of healthy population screening.